The following is an entry in ClinVar:

ClinVar aggregate classification (germline): Pathogenic (1 of 4 stars; one submission).

Conditions:
Lipid proteinosis. Also called: HYALINOSIS CUTIS ET MUCOSAE; Lipoid Proteinosis of Urbach and Wiethe; Urbach Wiethe disease; lipoid proteinosis. Identifiers: Orphanet 530, MedGen C0023795, MONDO:0009530, OMIM 247100.

Submission:

Medical Genetics Laboratory, Etlik City Hospital
Classification: Pathogenic for Lipid proteinosis. Last evaluated: 2024-03-25. Review status: criteria provided, single submitter. Criteria: ACMG Guidelines, 2015. Collection method: clinical testing. Allele origin: biparental. Inheritance: Autosomal recessive inheritance. Affected: yes. Observed: 18 variant alleles, 18 homozygotes.
Comment: In 18 patients from 7 families, a certain homozygous deletion affecting the latter portion of the ECM1 gene was observed. These analyses revealed the homozygous 1163-base pair (bp) seq[GRCh38]1q21.2(150512605-150513767) deletion which encompassed exons 9-10. The breakpoints of this variant were confirmed using the Sanger sequencing method and the variant was described as c.1304+33_*300del, alternatively. Furthermore, the exon 9–10 deletion variant has not been detected in healthy population studies including the several databases of genomic variants (DGV, gnomAD v4.0). Notably, no other significant SNVs in genes associated with the observed clinical characteristics were identified through the sequencing analysis. The exon 9–10 deletion variant segregates in seven LP families originating from the province of Şanlıurfa in Turkiye. We presumed a shared origin for this variant; therefore, haplotype reconstruction was carried out for four families whose NGS data were generated using the same capture kit. All individuals carried the same haplotype up to 1.1 Mb upstream and 2.7 Mb downstream of the ECM1 variant. This observation points to a shared region of approximately 3.8 Mb overall, suggesting a common ancestor for the deletion variant.

NM_004425.4(ECM1):c.1304+33_*300del

Gene: ECM1 (extracellular matrix protein 1; plus strand). Cytogenetic location: 1q21.2.
Variant type: Deletion.
Coding change: c.1304+33_*300del on transcript NM_004425.4 (MANE Select); 33 bases into the intron after coding-DNA position 1304 through 300 bases downstream of the stop codon, 1,163 bases deleted.
Molecular consequence: splice acceptor variant, splice donor variant.
Genome position (GRCh38, 1-based): chr1:150,512,605-150,513,767, 1,163 bases deleted. GRCh37 (hg19): chr1:150,485,081-150,486,243.
Other names: c.1304+33_*300del; c.929+33_*300del (NM_022664.3); c.1385+33_*300del (NM_001202858.2).
Identifiers: ClinVar variation 3064070 (VCV003064070.2), ClinGen allele CA2740090352.